The following is an entry in ClinVar:

NM_003640.5(ELP1):c.178G>A (p.Glu60Lys)

Gene: ELP1 (elongator acetyltransferase complex subunit 1; minus strand). Cytogenetic location: 9q31.3.
Variant type: single nucleotide variant.
Coding change: c.178G>A on transcript NM_003640.5 (MANE Select); coding-DNA position 178, G replaced by A.
Protein change: p.Glu60Lys; replaces glutamic acid 60 with lysine.
Molecular consequence: missense variant. On other transcripts: 5 prime UTR variant (2).
Genome position (GRCh38, 1-based): chr9:108,929,894, C>T on the plus strand (G>A on the coding strand, the complement: ELP1 is on the minus strand). VCF-style: chr9-108929894-C-T. GRCh37 (hg19) VCF-style: chr9-111692174-C-T.
Other names: c.178G>A (NM_003640.4); c.-165G>A (NM_001318360.2); c.-682G>A (NM_001330749.2); short protein forms E60K.
Identifiers: ClinVar variation 1800239 (VCV001800239.5), dbSNP rs755988042, ClinGen allele CA5175438.

ClinVar aggregate classification (germline): Uncertain significance. Review status: criteria provided, multiple submitters, no conflicts (2 of 4 stars). 3 submissions from 3 submitters: Uncertain significance (3). Last evaluated 2026-08-25.

Conditions:
ELP1-related disorder. Also called: ELP1-related condition.

Allele frequency attached by ClinVar (database versions not stated): ExAC 0.00001; gnomAD 0.00002; gnomAD exomes 0.00002; TOPMed 0.00003.
gnomAD v4.1: 40 of 1,613,746 alleles (0.0025%); highest among the groups gnomAD compares: Admixed American, 0.015%; no homozygotes.

Submissions (3):

PreventionGenetics, part of Exact Sciences
Classification: Uncertain significance for ELP1-related condition. Last evaluated: 2026-08-25. Review status: criteria provided, single submitter. Criteria: ACMG Guidelines, 2015. Collection method: clinical testing. Allele origin: germline.
Comment: The ELP1 c.178G>A variant is predicted to result in the amino acid substitution p.Glu60Lys. To our knowledge, this variant has not been reported in the literature. This variant is reported in 0.017% of alleles in individuals of Latino descent in gnomAD. At this time, the clinical significance of this variant is uncertain due to the absence of conclusive functional and genetic evidence.

Ambry Genetics
Classification: Uncertain significance. Last evaluated: 2023-04-26. Review status: criteria provided, single submitter. Criteria: Ambry Variant Classification Scheme 2023. Collection method: clinical testing. Allele origin: germline.

Labcorp Genetics (formerly Invitae), Labcorp
Classification: Uncertain significance. Last evaluated: 2022-06-12. Review status: criteria provided, single submitter. Criteria: Invitae Variant Classification Sherloc (09022015). Collection method: clinical testing. Allele origin: germline.
Comment: This sequence change replaces glutamic acid, which is acidic and polar, with lysine, which is basic and polar, at codon 60 of the ELP1 protein (p.Glu60Lys). This variant is present in population databases (rs755988042, gnomAD 0.01%). This variant has not been reported in the literature in individuals affected with ELP1-related conditions. Algorithms developed to predict the effect of missense changes on protein structure and function (SIFT, PolyPhen-2, Align-GVGD) all suggest that this variant is likely to be tolerated. Algorithms developed to predict the effect of sequence changes on RNA splicing suggest that this variant may disrupt the consensus splice site. In summary, the available evidence is currently insufficient to determine the role of this variant in disease. Therefore, it has been classified as a Variant of Uncertain Significance.